The following is an entry in ClinVar:

NM_001170629.2(CHD8):c.6270C>G (p.Ser2090Arg)

Gene: CHD8 (chromodomain helicase DNA binding protein 8; minus strand). Cytogenetic location: 14q11.2.
Variant type: single nucleotide variant.
Coding change: c.6270C>G on transcript NM_001170629.2 (MANE Select); coding-DNA position 6270, C replaced by G.
Protein change: p.Ser2090Arg; replaces serine 2090 with arginine.
Molecular consequence: missense variant.
Genome position (GRCh38, 1-based): chr14:21,393,525, G>C on the plus strand (C>G on the coding strand, the complement: CHD8 is on the minus strand). VCF-style: chr14-21393525-G-C. GRCh37 (hg19) VCF-style: chr14-21861684-G-C.
Other names: c.5433C>G, p.Ser1811Arg (NM_020920.4); short protein forms S1811R, S2090R.
Identifiers: ClinVar variation 4056036 (VCV004056036.1).
Genomic context (GRCh38, chr14:21,393,525, plus strand): 5'-CATGCACTCACTTAGCTTCTCTTCCTTCTCATCCTCACTCTCATCAGTGCTGGAGCTGGA[G>C]CTGGATGAGGATGAGGAAGAAGAAGAAGATGGTGACAGCTTGCTCAAGTCCAGCTCAGAG-3'
Protein context (NP_001164100.1, residues 2080-2100): PSSSSSSSSS[Ser2090Arg]SSSSTDESED

ClinVar aggregate classification (germline): Uncertain significance (1 of 4 stars; one submission).

Submission:

GeneDx
Classification: Uncertain significance. Last evaluated: 2025-01-05. Review status: criteria provided, single submitter. Criteria: GeneDx Variant Classification Process June 2021. Collection method: clinical testing. Allele origin: germline. Affected: yes.
Comment: Not observed at significant frequency in large population cohorts (gnomAD); In silico analysis suggests this variant may impact gene splicing. In the absence of RNA/functional studies, the actual effect of this sequence change is unknown.; In silico analysis indicates that this missense variant does not alter protein structure/function; Has not been previously published as pathogenic or benign to our knowledge